The following is an entry in ClinVar:

ClinVar aggregate classification (germline): Uncertain significance (1 of 4 stars; one submission).

Conditions:
Inborn genetic diseases. Identifiers: MedGen C0950123, MeSH D030342.

Submission:

Ambry Genetics
Classification: Uncertain significance for Inborn genetic diseases. Last evaluated: 2025-04-19. Review status: criteria provided, single submitter. Criteria: Ambry Variant Classification Scheme 2023. Collection method: clinical testing. Allele origin: germline.
Comment: The p.K383E variant (also known as c.1147A>G), located in coding exon 6 of the ERCC6L2 gene, results from an A to G substitution at nucleotide position 1147. The lysine at codon 383 is replaced by glutamic acid, an amino acid with similar properties. This amino acid position is conserved. In addition, this alteration is predicted to be deleterious by in silico analysis. Based on the available evidence, the clinical significance of this variant remains unclear.

NM_020207.7(ERCC6L2):c.1147A>G (p.Lys383Glu)

Gene: ERCC6L2 (ERCC excision repair 6 like 2; plus strand). Cytogenetic location: 9q22.32.
Variant type: single nucleotide variant.
Coding change: c.1147A>G on transcript NM_020207.7 (MANE Select); coding-DNA position 1147, A replaced by G.
Protein change: p.Lys383Glu; replaces lysine 383 with glutamic acid.
Molecular consequence: missense variant. On other transcripts: non-coding transcript variant (1).
Genome position (GRCh38, 1-based): chr9:95,916,423, A>G. VCF-style: chr9-95916423-A-G. GRCh37 (hg19) VCF-style: chr9-98678705-A-G.
Other names: c.1147A>G, p.Lys383Glu (NM_001010895.4, NM_001375291.1, NM_001375292.1 and 2 more transcripts); short protein forms K383E.
Identifiers: ClinVar variation 4019318 (VCV004019318.1).